The following is an entry in ClinVar:

ClinVar aggregate classification (germline): Likely benign (1 of 4 stars; one submission).

Conditions:
TCOF1-related disorder. Also called: TCOF1-related condition.

Submission:

PreventionGenetics, part of Exact Sciences
Classification: Likely benign for TCOF1-related condition. Last evaluated: 2024-11-18. Review status: criteria provided, single submitter. Criteria: ACMG Guidelines, 2015. Collection method: clinical testing. Allele origin: germline.
Comment: This variant is classified as likely benign based on ACMG/AMP sequence variant interpretation guidelines (Richards et al. 2015 PMID: 25741868, with internal and published modifications).

NM_001371623.1(TCOF1):c.2860-3A>C

Gene: TCOF1 (treacle ribosome biogenesis factor 1; plus strand). Cytogenetic location: 5q32.
Variant type: single nucleotide variant.
Coding change: c.2860-3A>C on transcript NM_001371623.1 (MANE Select); 3 bases into the intron before coding-DNA position 2860, A replaced by C.
Molecular consequence: intron variant.
Genome position (GRCh38, 1-based): chr5:150,387,899, A>C. VCF-style: chr5-150387899-A-C. GRCh37 (hg19) VCF-style: chr5-149767462-A-C.
Other names: c.2860-3A>C (NM_001135243.2, NM_001135244.2, NM_001195141.2); c.2740-3A>C (NM_001437406.1); c.2629-3A>C (NM_001135245.2, NM_000356.4).
Identifiers: ClinVar variation 5000830 (VCV005000830.1).